The following is an entry in ClinVar:

ClinVar aggregate classification (germline): Uncertain significance. Review status: criteria provided, single submitter (1 of 4 stars). 2 submissions from 2 submitters: Uncertain significance (1). 1 of the submissions does not count toward it. Last evaluated 2025-10-24.

Conditions:
ISL1-related disorder. Also called: ISL1-related condition.

gnomAD v4.1: 5 of 1,613,750 alleles (0.00031%); highest among the groups gnomAD compares: Non-Finnish European, 0.00042%; no homozygotes.

Submissions (2):

Ambry Genetics
Classification: Uncertain significance. Last evaluated: 2025-10-24. Review status: criteria provided, single submitter. Criteria: Ambry Variant Classification Scheme 2023. Collection method: clinical testing. Allele origin: germline.

PreventionGenetics, part of Exact Sciences
Classification: Uncertain significance for ISL1-related condition. Last evaluated: 2024-05-21. Review status: no assertion criteria provided. Collection method: clinical testing. Allele origin: germline. Not counted in ClinVar's aggregate classification.
Comment: The ISL1 c.819C>G variant is predicted to result in the amino acid substitution p.His273Gln. To our knowledge, this variant has not been reported in the literature. This variant is reported in 0.0035% of alleles in individuals of European (Non-Finnish) descent in gnomAD. At this time, the clinical significance of this variant is uncertain due to the absence of conclusive functional and genetic evidence.

NM_002202.3(ISL1):c.819C>G (p.His273Gln)

Gene: ISL1 (ISL LIM homeobox 1; plus strand). Cytogenetic location: 5q11.1.
Variant type: single nucleotide variant.
Coding change: c.819C>G on transcript NM_002202.3 (MANE Select); coding-DNA position 819, C replaced by G.
Protein change: p.His273Gln; replaces histidine 273 with glutamine.
Molecular consequence: missense variant.
Genome position (GRCh38, 1-based): chr5:51,391,327, C>G. VCF-style: chr5-51391327-C-G. GRCh37 (hg19) VCF-style: chr5-50687161-C-G.
Other names: short protein forms H273Q.
Identifiers: ClinVar variation 3344060 (VCV003344060.2).
Genomic context (GRCh38, chr5:51,391,327, plus strand): 5'-TTCACAGAATATCCAGGGGATGACAGGAACTCCCATGGTGGCTGCCAGTCCAGAGAGACA[C>G]GACGGTGGCTTACAGGCTAACCCAGTGGAAGTACAAAGTTACCAGCCACCTTGGAAAGTA-3'
Protein context (NP_002193.2, residues 263-283): TPMVAASPER[His273Gln]DGGLQANPVE